The following is an entry in ClinVar:

NM_001453.3(FOXC1):c.1025C>T (p.Ala342Val)

Gene: FOXC1 (forkhead box C1; plus strand). Cytogenetic location: 6p25.3.
Variant type: single nucleotide variant.
Coding change: c.1025C>T on transcript NM_001453.3 (MANE Select); coding-DNA position 1025, C replaced by T.
Protein change: p.Ala342Val; replaces alanine 342 with valine.
Molecular consequence: missense variant.
Genome position (GRCh38, 1-based): chr6:1,611,470, C>T. VCF-style: chr6-1611470-C-T. GRCh37 (hg19) VCF-style: chr6-1611705-C-T.
Other names: c.1025C>T (NM_001453.2); short protein forms A342V.
Identifiers: ClinVar variation 1344731 (VCV001344731.4), dbSNP rs773600190, ClinGen allele CA3614853.

ClinVar aggregate classification (germline): Uncertain significance. Review status: criteria provided, multiple submitters, no conflicts (2 of 4 stars). 4 submissions from 4 submitters: Uncertain significance (3). 1 of the submissions does not count toward it. Last evaluated 2025-10-27.

Conditions:
FOXC1-related disorder. Also called: FOXC1-related condition.
Congenital anomaly of kidney and urinary tract. Also called: Congenital anomalies of kidney and urinary tract; Congenital anomalies of the kidney and urinary tract. Identifiers: Orphanet 93545, MedGen C1968949, MeSH C566906, MONDO:0019719.
Axenfeld-Rieger syndrome type 3 (RIEG3). Also called: AXENFELD-RIEGER ANOMALY WITH CARDIAC DEFECTS AND/OR SENSORINEURAL HEARING LOSS. Identifiers: Orphanet 782, MedGen C2678503, MONDO:0011233, OMIM 602482.
Anterior segment dysgenesis 3 (ASGD3). Also called: IRIDOGONIODYSGENESIS ANOMALY, AUTOSOMAL DOMINANT; Glaucoma iridogoniodysplasia, familial. Identifiers: Orphanet 91483, MedGen C5975707, MONDO:0024456, OMIM 601631.

gnomAD v4.1: 14 of 1,382,522 alleles (0.001%); highest among the groups gnomAD compares: Middle Eastern, 0.026%; no homozygotes.

Submissions (4):

Labcorp Genetics (formerly Invitae), Labcorp
Classification: Uncertain significance for Axenfeld-Rieger syndrome type 3. Last evaluated: 2025-10-27. Review status: criteria provided, single submitter. Criteria: Invitae Variant Classification Sherloc (09022015). Collection method: clinical testing. Allele origin: germline.
Comment: This sequence change replaces alanine, which is neutral and non-polar, with valine, which is neutral and non-polar, at codon 342 of the FOXC1 protein (p.Ala342Val). This variant is present in population databases (rs773600190, gnomAD 0.007%). This missense change has been observed in individual(s) with congenital anomalies of the kidney and urinary tract (PMID: 32475988). ClinVar contains an entry for this variant (Variation ID: 1344731). An algorithm developed to predict the effect of missense changes on protein structure and function (PolyPhen-2) suggests that this variant is likely to be tolerated. In summary, the available evidence is currently insufficient to determine the role of this variant in disease. Therefore, it has been classified as a Variant of Uncertain Significance.

PreventionGenetics, part of Exact Sciences
Classification: Uncertain significance for FOXC1-related condition. Last evaluated: 2024-10-03. Review status: criteria provided, single submitter. Criteria: ACMG Guidelines, 2015. Collection method: clinical testing. Allele origin: germline.
Comment: The FOXC1 c.1025C>T variant is predicted to result in the amino acid substitution p.Ala342Val. The variant segregated from unaffected mother. This variant is reported in 0.0067% of alleles in individuals of South Asian descent in gnomAD. At this time, the clinical significance of this variant is uncertain due to the absence of conclusive functional and genetic evidence.

Fulgent Genetics
Classification: Uncertain significance for Anterior segment dysgenesis 3; Axenfeld-Rieger syndrome type 3. Last evaluated: 2024-05-06. Review status: criteria provided, single submitter. Criteria: ACMG Guidelines, 2015. Collection method: clinical testing. Allele origin: germline.

Yale Center for Mendelian Genomics, Yale University
Classification: Likely pathogenic for Congenital anomaly of kidney and urinary tract. Last evaluated: 2020-06-01. Review status: no assertion criteria provided. Collection method: literature only. Allele origin: germline. Affected: yes. Observed: 1 heterozygote. Study: Yale Center for Mendelian Genomics. Not counted in ClinVar's aggregate classification.

Literature cited by the submitters: PubMed 32475988 (cited by Labcorp Genetics (formerly Invitae), Labcorp and Yale Center for Mendelian Genomics, Yale University).